The following is an entry in ClinVar:

NM_000179.3(MSH6):c.2632G>A (p.Val878Ile)

Gene: MSH6 (mutS homolog 6; plus strand). Cytogenetic location: 2p16.3.
Variant type: single nucleotide variant.
Coding change: c.2632G>A on transcript NM_000179.3 (MANE Select); coding-DNA position 2632, G replaced by A.
Protein change: p.Val878Ile; replaces valine 878 with isoleucine.
Molecular consequence: missense variant.
Genome position (GRCh38, 1-based): chr2:47,800,615, G>A. VCF-style: chr2-47800615-G-A. GRCh37 (hg19) VCF-style: chr2-48027754-G-A.
Other names: c.2107G>A, p.Val703Ile (NM_001406799.1, NM_001406806.1, NM_001406807.1); c.2632G>A, p.Val878Ile (NM_001406800.1, NM_001406808.1, NM_001406809.1 and 2 more transcripts); c.2335G>A, p.Val779Ile (NM_001406801.1, NM_001406805.1, NM_001406818.1 and 10 more transcripts); c.2728G>A, p.Val910Ile (NM_001406802.1, NM_001406795.1); c.2554G>A, p.Val852Ile (NM_001406804.1); c.1726G>A, p.Val576Ile (NM_001406811.1, NM_001406812.1, NM_001406814.1 and 6 more transcripts); c.2638G>A, p.Val880Ile (NM_001406813.1); c.2464G>A, p.Val822Ile (NM_001406826.1); and 1 more; short protein forms V576I, V878I, V748I, V822I, V703I, V779I, V852I, V880I.
Identifiers: ClinVar variation 2105742 (VCV002105742.7), dbSNP rs1669490068, ClinGen allele CA346755078.

ClinVar aggregate classification (germline): Uncertain significance. Review status: criteria provided, multiple submitters, no conflicts (2 of 4 stars). 3 submissions from 3 submitters: Uncertain significance (3). Last evaluated 2024-09-17.

Conditions:
Hereditary nonpolyposis colorectal neoplasms. Identifiers: MedGen C0009405, MeSH D003123.
Hereditary cancer-predisposing syndrome. Also called: Neoplastic Syndromes, Hereditary; Hereditary Cancer Syndrome; Hereditary neoplastic syndrome; Tumor predisposition. Identifiers: Orphanet 140162, MedGen C0027672, MeSH D009386, MONDO:0015356.
Lynch syndrome. Identifiers: Orphanet 144, MedGen C4552100, MONDO:0005835. Disease mechanism: loss of function.

Allele frequency attached by ClinVar (database versions not stated): gnomAD exomes below 0.00001.
gnomAD v4.1: 1 of 1,614,188 alleles (0.000062%); highest among the groups gnomAD compares: South Asian, 0.0011%; no homozygotes.

Submissions (3):

All of Us Research Program, National Institutes of Health
Classification: Uncertain significance for Lynch syndrome. Last evaluated: 2024-09-17. Review status: criteria provided, single submitter. Criteria: ACMG Guidelines, 2015. Collection method: clinical testing. Allele origin: germline. Inheritance: Autosomal dominant inheritance. Observed: 1 variant allele, 1 heterozygote.
Comment: This study involves interpretation of variants in research participants for the purpose of population health screening. Participant phenotype was not available at the time of variant classification. Additional details can be found in publication PMID: 35346344, PMCID: PMC8962531

Ambry Genetics
Classification: Uncertain significance for Hereditary cancer-predisposing syndrome. Last evaluated: 2023-08-02. Review status: criteria provided, single submitter. Criteria: Ambry Variant Classification Scheme 2023. Collection method: clinical testing. Allele origin: germline.
Comment: The p.V878I variant (also known as c.2632G>A), located in coding exon 4 of the MSH6 gene, results from a G to A substitution at nucleotide position 2632. The valine at codon 878 is replaced by isoleucine, an amino acid with highly similar properties. This amino acid position is conserved. In addition, this alteration is predicted to be tolerated by in silico analysis. Since supporting evidence is limited at this time, the clinical significance of this alteration remains unclear.

Labcorp Genetics (formerly Invitae), Labcorp
Classification: Uncertain significance for Hereditary nonpolyposis colorectal neoplasms. Last evaluated: 2022-03-02. Review status: criteria provided, single submitter. Criteria: Invitae Variant Classification Sherloc (09022015). Collection method: clinical testing. Allele origin: germline.
Comment: In summary, the available evidence is currently insufficient to determine the role of this variant in disease. Therefore, it has been classified as a Variant of Uncertain Significance. Advanced modeling of protein sequence and biophysical properties (such as structural, functional, and spatial information, amino acid conservation, physicochemical variation, residue mobility, and thermodynamic stability) performed at Invitae indicates that this missense variant is not expected to disrupt MSH6 protein function. This variant has not been reported in the literature in individuals affected with MSH6-related conditions. This variant is not present in population databases (gnomAD no frequency). This sequence change replaces valine, which is neutral and non-polar, with isoleucine, which is neutral and non-polar, at codon 878 of the MSH6 protein (p.Val878Ile).